The following is an entry in ClinVar:

NM_004104.5(FASN):c.4654C>T (p.Arg1552Cys)

Gene: FASN (fatty acid synthase; minus strand). Cytogenetic location: 17q25.3.
Variant type: single nucleotide variant.
Coding change: c.4654C>T on transcript NM_004104.5 (MANE Select); coding-DNA position 4654, C replaced by T.
Protein change: p.Arg1552Cys; replaces arginine 1552 with cysteine.
Molecular consequence: missense variant.
Genome position (GRCh38, 1-based): chr17:82,084,627, G>A on the plus strand (C>T on the coding strand, the complement: FASN is on the minus strand). VCF-style: chr17-82084627-G-A. GRCh37 (hg19) VCF-style: chr17-80042503-G-A.
Other names: c.4654C>T (NM_004104.4); short protein forms R1552C.
Identifiers: ClinVar variation 1375682 (VCV001375682.11), dbSNP rs762427627, ClinGen allele CA8851982.

ClinVar aggregate classification (germline): Conflicting classifications of pathogenicity. Review status: criteria provided, conflicting classifications (1 of 4 stars). 3 submissions from 3 submitters: Uncertain significance (2); Benign (1). Last evaluated 2025-02-25.

Conditions:
Epileptic encephalopathy. Identifiers: MedGen C0543888, HP:0200134.

Allele frequency attached by ClinVar (database versions not stated): gnomAD exomes 0.00002 and 0.00001; TOPMed 0.00002; ExAC 0.00003.
gnomAD v4.1: 22 of 1,602,838 alleles (0.0014%); highest among the groups gnomAD compares: Middle Eastern, 0.017%; no homozygotes.

Submissions (3):

Ambry Genetics
Classification: Uncertain significance. Last evaluated: 2025-02-25. Review status: criteria provided, single submitter. Criteria: Ambry Variant Classification Scheme 2023. Collection method: clinical testing. Allele origin: germline.

Labcorp Genetics (formerly Invitae), Labcorp
Classification: Uncertain significance for Epileptic encephalopathy. Last evaluated: 2025-02-03. Review status: criteria provided, single submitter. Criteria: Invitae Variant Classification Sherloc (09022015). Collection method: clinical testing. Allele origin: germline.
Comment: This sequence change replaces arginine, which is basic and polar, with cysteine, which is neutral and slightly polar, at codon 1552 of the FASN protein (p.Arg1552Cys). The frequency data for this variant in the population databases is considered unreliable, as metrics indicate poor data quality at this position in the gnomAD database. This variant has not been reported in the literature in individuals affected with FASN-related conditions. ClinVar contains an entry for this variant (Variation ID: 1375682). An algorithm developed to predict the effect of missense changes on protein structure and function (PolyPhen-2) suggests that this variant is likely to be tolerated. In summary, the available evidence is currently insufficient to determine the role of this variant in disease. Therefore, it has been classified as a Variant of Uncertain Significance.

Genomic Medicine Center of Excellence, King Faisal Specialist Hospital and Research Centre
Classification: Benign. Last evaluated: 2023-12-12. Review status: criteria provided, single submitter. Criteria: ACMG Guidelines, 2015. Collection method: research. Allele origin: germline.